The following is an entry in ClinVar:

NM_001302769.2(PARD3B):c.1638G>A (p.Met546Ile)

Gene: PARD3B (par-3 family cell polarity regulator beta; plus strand). Cytogenetic location: 2q33.3.
Variant type: single nucleotide variant.
Coding change: c.1638G>A on transcript NM_001302769.2 (MANE Select); coding-DNA position 1638, G replaced by A.
Protein change: p.Met546Ile; replaces methionine 546 with isoleucine.
Molecular consequence: missense variant.
Genome position (GRCh38, 1-based): chr2:205,172,228, G>A. VCF-style: chr2-205172228-G-A. GRCh37 (hg19) VCF-style: chr2-206036952-G-A.
Other names: c.1638G>A, p.Met546Ile (NM_057177.7, NM_205863.4); c.1452G>A, p.Met484Ile (NM_152526.6); short protein forms M484I, M546I.
Identifiers: ClinVar variation 4991026 (VCV004991026.1).

ClinVar aggregate classification (germline): Uncertain significance (1 of 4 stars; one submission).

Conditions:
PARD3B-related disorder. Also called: PARD3B-related condition.

Submission:

PreventionGenetics, part of Exact Sciences
Classification: Uncertain significance for PARD3B-related condition. Last evaluated: 2026-09-08. Review status: criteria provided, single submitter. Criteria: ACMG Guidelines, 2015. Collection method: clinical testing. Allele origin: germline.
Comment: The PARD3B c.1638G>A variant is predicted to result in the amino acid substitution p.Met546Ile. To our knowledge, this variant has not been reported in the literature or in a large population database (gnomAD), indicating this variant is rare. At this time, the clinical significance of this variant is uncertain due to the absence of conclusive functional and genetic evidence.